The following is an entry in ClinVar:

NM_003661.4(APOL1):c.893A>G (p.His298Arg)

Gene: APOL1 (apolipoprotein L1; plus strand). Cytogenetic location: 22q12.3.
Variant type: single nucleotide variant.
Coding change: c.893A>G on transcript NM_003661.4 (MANE Select); coding-DNA position 893, A replaced by G.
Protein change: p.His298Arg; replaces histidine 298 with arginine.
Molecular consequence: missense variant.
Genome position (GRCh38, 1-based): chr22:36,265,729, A>G. VCF-style: chr22-36265729-A-G. GRCh37 (hg19) VCF-style: chr22-36661775-A-G.
Other names: c.893A>G, p.His298Arg (NM_001136540.2); c.839A>G, p.His280Arg (NM_001136541.2, NM_001362927.2); c.941A>G, p.His314Arg (NM_145343.3); c.893A>G (NM_003661.3); short protein forms H280R, H298R, H314R.
Identifiers: ClinVar variation 1058363 (VCV001058363.12), dbSNP rs200272963, ClinGen allele CA10208779.

ClinVar aggregate classification (germline): Uncertain significance. Review status: criteria provided, multiple submitters, no conflicts (2 of 4 stars). 3 submissions from 3 submitters: Uncertain significance (3). Last evaluated 2025-06-12.

Allele frequency attached by ClinVar (database versions not stated): gnomAD exomes below 0.00001 and 0.00001; TOPMed below 0.00001; ExAC 0.00001; gnomAD 0.00001; 1000 Genomes Project 30x 0.00016; 1000 Genomes Project 0.00020.
gnomAD v4.1: 22 of 1,613,970 alleles (0.0014%); highest among the groups gnomAD compares: Middle Eastern, 0.099%; no homozygotes.

Submissions (3):

Labcorp Genetics (formerly Invitae), Labcorp
Classification: Uncertain significance. Last evaluated: 2025-06-12. Review status: criteria provided, single submitter. Criteria: Invitae Variant Classification Sherloc (09022015). Collection method: clinical testing. Allele origin: germline.
Comment: This sequence change replaces histidine, which is basic and polar, with arginine, which is basic and polar, at codon 298 of the APOL1 protein (p.His298Arg). This variant is present in population databases (rs200272963, gnomAD 0.007%). This variant has not been reported in the literature in individuals affected with APOL1-related conditions. ClinVar contains an entry for this variant (Variation ID: 1058363). An algorithm developed to predict the effect of missense changes on protein structure and function outputs the following: PolyPhen-2: "Possibly Damaging". The arginine amino acid residue is found in multiple mammalian species, which suggests that this missense change does not adversely affect protein function. In summary, the available evidence is currently insufficient to determine the role of this variant in disease. Therefore, it has been classified as a Variant of Uncertain Significance.

Genetic Services Laboratory, University of Chicago
Classification: Uncertain significance. Last evaluated: 2023-03-31. Review status: criteria provided, single submitter. Criteria: ACMG Guidelines, 2015. Collection method: clinical testing. Allele origin: germline. Affected: no.
Comment: DNA sequence analysis of the APOL1 gene demonstrated a sequence change, c.893A>G, in exon 6 that results in an amino acid change, p.His298Arg. This sequence change has been described in the gnomAD database in one individual corresponding to a population frequency of 0.0004% (dbSNP rs200272963). The p.His298Arg change affects a poorly conserved amino acid residue located in a domain of the APOL1 protein that is not known to be functional. In-silico pathogenicity prediction tools (SIFT, PolyPhen2, Align GVGD, REVEL) provide contradictory results for the p.His298Arg substitution. This sequence change does not appear to have been previously described in individuals with APOL1-related disorders. Due to insufficient evidences and the lack of functional studies, the clinical significance of the p.His298Arg change remains unknown at this time.

Breakthrough Genomics
Classification: Uncertain significance. Review status: criteria provided, single submitter. Criteria: ACMG Guidelines, 2015. Collection method: not provided. Allele origin: germline. Inheritance: Autosomal dominant inheritance. Affected: yes.